The following is an entry in ClinVar:

NM_018706.7(DHTKD1):c.2559C>G (p.Tyr853Ter)

Gene: DHTKD1 (dehydrogenase E1 and transketolase domain containing 1; plus strand). Cytogenetic location: 10p14.
Variant type: single nucleotide variant.
Coding change: c.2559C>G on transcript NM_018706.7 (MANE Select); coding-DNA position 2559, C replaced by G.
Protein change: p.Tyr853Ter; replaces tyrosine 853 with a stop codon.
Molecular consequence: nonsense.
Genome position (GRCh38, 1-based): chr10:12,118,905, C>G. VCF-style: chr10-12118905-C-G. GRCh37 (hg19) VCF-style: chr10-12160904-C-G.
Other names: short protein forms Y853*.
Identifiers: ClinVar variation 1445495 (VCV001445495.7), dbSNP rs758290860, ClinGen allele CA5408296.
Genomic context (GRCh38, chr10:12,118,905, plus strand): 5'-CCGAGTAGAGGAACTCTGCCCCTTCCCGTTGGATTCTTTACAGCAAGAGATGAGCAAATA[C>G]AAACATGTTAAAGGTAAGAGGTTGTTCTCATTTGGGTTTTGATGTTCAGATACCCAAAAC-3'

ClinVar aggregate classification (germline): Pathogenic/Likely pathogenic. Review status: criteria provided, multiple submitters, no conflicts (2 of 4 stars). 2 submissions from 2 submitters: Pathogenic (1); Likely pathogenic (1). Last evaluated 2025-09-24.

Conditions:
DHTKD1-related disorder. Also called: DHTKD1-related condition.
2-aminoadipic 2-oxoadipic aciduria (AAKAD). Also called: Aminoadipic aciduria; ALPHA-AMINOADIPIC AND ALPHA-KETOADIPIC ACIDURIA. Identifiers: Orphanet 79154, MedGen C1859817, MONDO:0008774, OMIM 204750.

Allele frequency attached by ClinVar (database versions not stated): gnomAD exomes 0.00002; ExAC 0.00004.
gnomAD v4.1: 10 of 1,578,570 alleles (0.00063%); highest among the groups gnomAD compares: East Asian, 0.0023%; no homozygotes.

Submissions (2):

Labcorp Genetics (formerly Invitae), Labcorp
Classification: Pathogenic for 2-aminoadipic 2-oxoadipic aciduria. Last evaluated: 2025-09-24. Review status: criteria provided, single submitter. Criteria: Invitae Variant Classification Sherloc (09022015). Collection method: clinical testing. Allele origin: germline.
Comment: This sequence change creates a premature translational stop signal (p.Tyr853*) in the DHTKD1 gene. It is expected to result in an absent or disrupted protein product. Loss-of-function variants in DHTKD1 are known to be pathogenic (PMID: 23141293, 25860818). This variant is present in population databases (rs758290860, gnomAD 0.005%). This variant has not been reported in the literature in individuals affected with DHTKD1-related conditions. ClinVar contains an entry for this variant (Variation ID: 1445495). For these reasons, this variant has been classified as Pathogenic.

Blueprint Genetics
Classification: Likely pathogenic for DHTKD1-related disorders. Last evaluated: 2023-08-24. Review status: criteria provided, single submitter. Criteria: ACMG Guidelines, 2015. Collection method: clinical testing. Allele origin: germline. Affected: yes. Observed: 1 variant allele.

Literature cited by the submitters: PubMed 23141293 (cited by Labcorp Genetics (formerly Invitae), Labcorp); PubMed 25860818 (cited by Labcorp Genetics (formerly Invitae), Labcorp).